The following is an entry in ClinVar:

NM_000218.3(KCNQ1):c.826del (p.Ser276fs)

Gene: KCNQ1 (potassium voltage-gated channel subfamily Q member 1; plus strand). Cytogenetic location: 11p15.5.
Variant type: Deletion.
Coding change: c.826del on transcript NM_000218.3 (MANE Select); coding-DNA position 826, one base deleted (T; older notation c.826delT).
Protein change: p.Ser276fs; shifts the reading frame from serine 276.
Molecular consequence: frameshift variant.
Genome position (GRCh38, 1-based): chr11:2,572,891, T deleted. VCF-style (leftmost placement, unchanged base first): chr11-2572890-CT-C. GRCh37 (hg19) VCF-style: chr11-2594120-CT-C.
Other names: c.826delT, p.Ser276Profs (NM_001406836.1); c.556delT, p.Ser186Profs (NM_001406837.1); c.445delT, p.Ser149Profs (NM_181798.2); short protein forms S149fs, S276fs.
Identifiers: ClinVar variation 189232 (VCV000189232.7), dbSNP rs786204778, ClinGen allele CA008398.

ClinVar aggregate classification (germline): Pathogenic/Likely pathogenic. Review status: criteria provided, multiple submitters, no conflicts (2 of 4 stars). 2 submissions from 2 submitters: Pathogenic (1); Likely pathogenic (1). Last evaluated 2023-01-09.

Conditions:
Familial long QT syndrome (RWS). Also called: VENTRICULAR FIBRILLATION WITH PROLONGED QT INTERVAL; Romano-Ward syndrome; Congenital long QT syndrome. Identifiers: Orphanet 768, MedGen C1141890, MONDO:0019171.
Jervell and Lange-Nielsen syndrome (JLNS). Also called: Jervell-Lange Nielsen syndrome. Identifiers: Orphanet 90647, MedGen C0022387, MONDO:0002441.
KCNQ1-related disorder. Also called: KCNQ1-related condition; KCNQ1-related disorders. Identifiers: MedGen CN239322.

Allele frequency attached by ClinVar (database versions not stated): gnomAD exomes below 0.00001.

Submissions (2):

Blueprint Genetics
Classification: Pathogenic for KCNQ1-related disorders. Last evaluated: 2023-01-09. Review status: criteria provided, single submitter. Criteria: ACMG Guidelines, 2015. Collection method: clinical testing. Allele origin: germline. Affected: yes. Observed: 2 variant alleles.

Laboratory for Molecular Medicine, Mass General Brigham Personalized Medicine
Classification: Likely pathogenic for Jervell and Lange-Nielsen syndrome; Isolated congenital long QT syndrome. Last evaluated: 2013-12-09. Review status: criteria provided, single submitter. Criteria: LMM Criteria. Collection method: clinical testing. Allele origin: germline. Inheritance: Autosomal dominant inheritance. Observed: 2 variant alleles.
Comment: The Ser276ProfsX13 variant in KCNQ1 has not been previously reported in the lite rature or in large population studies. This frameshift variant is predicted to a lter the protein?s amino acid sequence beginning at position 276 and lead to a p remature termination codon 13 amino acids downstream. This alteration is then pr edicted to lead to a truncated or absent protein. Complete loss of KCNQ1 functi on leads to Jervell and Lange-Nielsen syndrome (JLNS) in compound heterozygous a nd homozygous individuals while dominant-negative and loss-of-function variants in KCNQ1 have been shown to lead to Romano-Ward syndrome (RWS) in heterozygous i ndividuals. In summary, this variant is likely pathogenic, though additional stu dies are required to fully establish its clinical significance.